The following is an entry in ClinVar:

NM_133497.4(KCNV2):c.494A>G (p.Tyr165Cys)

Gene: KCNV2 (potassium voltage-gated channel modifier subfamily V member 2; plus strand). Cytogenetic location: 9p24.2.
Variant type: single nucleotide variant.
Coding change: c.494A>G on transcript NM_133497.4 (MANE Select); coding-DNA position 494, A replaced by G.
Protein change: p.Tyr165Cys; replaces tyrosine 165 with cysteine.
Molecular consequence: missense variant.
Genome position (GRCh38, 1-based): chr9:2,718,233, A>G. VCF-style: chr9-2718233-A-G. GRCh37 (hg19) VCF-style: chr9-2718233-A-G.
Other names: short protein forms Y165C.
Identifiers: ClinVar variation 1495780 (VCV001495780.6), dbSNP rs751644579, ClinGen allele CA4965474.

ClinVar aggregate classification (germline): Uncertain significance. Review status: criteria provided, multiple submitters, no conflicts (2 of 4 stars). 2 submissions from 2 submitters: Uncertain significance (2). Last evaluated 2024-01-31.

Allele frequency attached by ClinVar (database versions not stated): ExAC 0.00001; gnomAD 0.00001; TOPMed 0.00001.
gnomAD v4.1: 49 of 1,613,054 alleles (0.003%); highest among the groups gnomAD compares: Non-Finnish European, 0.0036%; no homozygotes.

Submissions (2):

Blueprint Genetics
Classification: Uncertain significance. Last evaluated: 2024-01-31. Review status: criteria provided, single submitter. Criteria: ACMG Guidelines, 2015. Collection method: clinical testing. Allele origin: germline.

Labcorp Genetics (formerly Invitae), Labcorp
Classification: Uncertain significance. Last evaluated: 2021-09-01. Review status: criteria provided, single submitter. Criteria: Invitae Variant Classification Sherloc (09022015). Collection method: clinical testing. Allele origin: germline.
Comment: This sequence change replaces tyrosine with cysteine at codon 165 of the KCNV2 protein (p.Tyr165Cys). The tyrosine residue is highly conserved and there is a large physicochemical difference between tyrosine and cysteine. This variant is present in population databases (rs751644579, ExAC 0.002%). This variant has not been reported in the literature in individuals affected with KCNV2-related conditions. Algorithms developed to predict the effect of missense changes on protein structure and function (SIFT, PolyPhen-2, Align-GVGD) all suggest that this variant is likely to be disruptive. In summary, the available evidence is currently insufficient to determine the role of this variant in disease. Therefore, it has been classified as a Variant of Uncertain Significance.